The following is an entry in ClinVar:

ClinVar aggregate classification (germline): Uncertain significance (1 of 4 stars; one submission).

Conditions:
Inborn genetic diseases. Identifiers: MedGen C0950123, MeSH D030342.

gnomAD v4.1: 1 of 1,608,852 alleles (0.000062%); highest among the groups gnomAD compares: Admixed American, 0.0017%; no homozygotes.

Submission:

Ambry Genetics
Classification: Uncertain significance for Inborn genetic diseases. Last evaluated: 2024-03-25. Review status: criteria provided, single submitter. Criteria: Ambry Variant Classification Scheme 2023. Collection method: clinical testing. Allele origin: germline.
Comment: The p.E583G variant (also known as c.1748A>G), located in coding exon 8 of the ATR gene, results from an A to G substitution at nucleotide position 1748. The glutamic acid at codon 583 is replaced by glycine, an amino acid with similar properties. This amino acid position is conserved. In addition, this alteration is predicted to be tolerated by in silico analysis. Based on the available evidence, the clinical significance of this alteration remains unclear.

NM_001184.4(ATR):c.1748A>G (p.Glu583Gly)

Gene: ATR (ATR serine/threonine kinase; minus strand). Cytogenetic location: 3q23.
Variant type: single nucleotide variant.
Coding change: c.1748A>G on transcript NM_001184.4 (MANE Select); coding-DNA position 1748, A replaced by G.
Protein change: p.Glu583Gly; replaces glutamic acid 583 with glycine.
Molecular consequence: missense variant.
Genome position (GRCh38, 1-based): chr3:142,558,761, T>C on the plus strand (A>G on the coding strand, the complement: ATR is on the minus strand). VCF-style: chr3-142558761-T-C. GRCh37 (hg19) VCF-style: chr3-142277603-T-C.
Other names: c.1556A>G, p.Glu519Gly (NM_001354579.2); short protein forms E519G, E583G.
Identifiers: ClinVar variation 3331273 (VCV003331273.1).